The following is an entry in ClinVar:

NM_000093.5(COL5A1):c.3015G>A (p.Thr1005=)

Gene: COL5A1 (collagen type V alpha 1 chain; plus strand). Cytogenetic location: 9q34.3.
Variant type: single nucleotide variant.
Coding change: c.3015G>A on transcript NM_000093.5 (MANE Select); coding-DNA position 3015, G replaced by A.
Protein change: p.Thr1005=; no amino-acid change (threonine 1005 retained).
Molecular consequence: synonymous variant.
Genome position (GRCh38, 1-based): chr9:134,802,896, G>A. VCF-style: chr9-134802896-G-A. GRCh37 (hg19) VCF-style: chr9-137694742-G-A.
Other names: c.3015G>A (NM_000093.3); c.3015G>A, p.Thr1005= (NM_001278074.1).
Identifiers: ClinVar variation 3054827 (VCV003054827.3), dbSNP rs751265351, ClinGen allele CA5319735.

ClinVar aggregate classification (germline): Uncertain significance. Review status: criteria provided, single submitter (1 of 4 stars). 2 submissions from 2 submitters: Uncertain significance (1). 1 of the submissions does not count toward it. Last evaluated 2021-09-07.

Conditions:
COL5A1-related disorder. Also called: COL5A1-related condition.
Familial thoracic aortic aneurysm and aortic dissection (TAAD). Also called: Thoracic aortic aneurysms and dissections. Identifiers: Orphanet 91387, MedGen C4707243, MONDO:0019625.

Allele frequency attached by ClinVar (database versions not stated): TOPMed 0.00001; ExAC 0.00002.
gnomAD v4.1: 18 of 1,611,942 alleles (0.0011%); highest among the groups gnomAD compares: African/African-American, 0.0027%; no homozygotes.

Submissions (2):

Ambry Genetics
Classification: Uncertain significance for Familial thoracic aortic aneurysm and aortic dissection. Last evaluated: 2021-09-07. Review status: criteria provided, single submitter. Criteria: Ambry Variant Classification Scheme 2023. Collection method: clinical testing. Allele origin: germline.
Comment: The c.3015G>A (p.T1005T) alteration is located in exon 39 (coding exon 39) of the COL5A1 gene. This alteration consists of a G to A substitution at nucleotide position 3015. This nucleotide substitution does not change the amino acid at codon 1005. However, this change occurs in the last nucleotide of Exon 39 (c.3007_3114) which makes it likely to have some effect on normal mRNA splicing. Based on insufficient or conflicting evidence, the clinical significance of this alteration remains unclear.

PreventionGenetics, part of Exact Sciences
Classification: Likely benign for COL5A1-related condition. Last evaluated: 2020-05-04. Review status: no assertion criteria provided. Collection method: clinical testing. Allele origin: germline. Not counted in ClinVar's aggregate classification.
Comment: This variant is classified as likely benign based on ACMG/AMP sequence variant interpretation guidelines (Richards et al. 2015 PMID: 25741868, with internal and published modifications).